The following is an entry in ClinVar:

NM_001165963.4(SCN1A):c.4550A>T (p.Lys1517Ile)

Genes: SCN1A (sodium voltage-gated channel alpha subunit 1; minus strand), LOC102724058 (uncharacterized LOC102724058; plus strand). Cytogenetic location: 2q24.3.
Variant type: single nucleotide variant.
Coding change: c.4550A>T on transcript NM_001165963.4 (MANE Select); coding-DNA position 4550, A replaced by T.
Protein change: p.Lys1517Ile; replaces lysine 1517 with isoleucine.
Molecular consequence: missense variant. On other transcripts: non-coding transcript variant (1).
Genome position (GRCh38, 1-based): chr2:165,996,044, T>A on the plus strand (A>T on the coding strand, the complement: SCN1A is on the minus strand). VCF-style: chr2-165996044-T-A. GRCh37 (hg19) VCF-style: chr2-166852554-T-A.
Other names: c.4466A>T, p.Lys1489Ile (NM_001165964.3, NM_001353957.2, NM_001353958.2); c.4550A>T, p.Lys1517Ile (NM_001202435.3, NM_001353948.2); c.4517A>T, p.Lys1506Ile (NM_001353949.2, NM_001353950.2, NM_001353951.2 and 2 more transcripts); c.4514A>T, p.Lys1505Ile (NM_001353954.2, NM_001353955.2); c.4463A>T, p.Lys1488Ile (NM_001353960.2); c.2108A>T, p.Lys703Ile (NM_001353961.2); short protein forms K1488I, K1489I, K1505I, K1506I, K1517I, K703I.
Identifiers: ClinVar variation 3365493 (VCV003365493.1).

ClinVar aggregate classification (germline): Uncertain significance (1 of 4 stars; one submission).

Submission:

GeneDx
Classification: Uncertain significance. Last evaluated: 2023-12-14. Review status: criteria provided, single submitter. Criteria: GeneDx Variant Classification Process June 2021. Collection method: clinical testing. Allele origin: germline. Affected: yes.
Comment: Not observed at significant frequency in large population cohorts (gnomAD); Missense variants in this gene are a common cause of disease and they are underrepresented in the general population; In silico analysis supports that this missense variant has a deleterious effect on protein structure/function; Has not been previously published as pathogenic or benign to our knowledge; This substitution is predicted to be within the cytoplasmic loop between the third and fourth homologous domains